The following is an entry in ClinVar:

NM_025114.4(CEP290):c.1645C>T (p.Arg549Ter)

Gene: CEP290 (centrosomal protein 290; minus strand). Cytogenetic location: 12q21.32.
Variant type: single nucleotide variant.
Coding change: c.1645C>T on transcript NM_025114.4 (MANE Select); coding-DNA position 1645, C replaced by T.
Protein change: p.Arg549Ter; replaces arginine 549 with a stop codon.
Molecular consequence: nonsense.
Genome position (GRCh38, 1-based): chr12:88,118,549, G>A on the plus strand (C>T on the coding strand, the complement: CEP290 is on the minus strand). VCF-style: chr12-88118549-G-A. GRCh37 (hg19) VCF-style: chr12-88512326-G-A.
Other names: short protein forms R549*.
Identifiers: ClinVar variation 654447 (VCV000654447.60), dbSNP rs760415289, ClinGen allele CA6712499.

ClinVar aggregate classification (germline): Pathogenic. Review status: criteria provided, multiple submitters, no conflicts (2 of 4 stars). 13 submissions from 13 submitters: Pathogenic (11). 2 of the submissions do not count toward it. Last evaluated 2026-09-15.

Conditions:
CEP290-related ciliopathy. Also called: CEP290 ciliopathy. Identifiers: MedGen CN305601, MONDO:0100451.
CEP290-related disorder. Also called: CEP290-related disorders; CEP290-related condition. Identifiers: MedGen CN239314.
Leber congenital amaurosis (LCA). Also called: Leber's amaurosis. Identifiers: Orphanet 65, MedGen C0339527, MeSH D057130, MONDO:0018998.
Joubert syndrome. Also called: Familial aplasia of the vermis; JOUBERT-BOLTSHAUSER SYNDROME. Identifiers: Orphanet 475, MedGen C5979921, MONDO:0018772.
Nephronophthisis. Also called: Juvenile Nephronophthisis. Identifiers: Orphanet 655, MedGen C0687120, MONDO:0019005, HP:0000090.
Meckel-Gruber syndrome. Also called: DYSENCEPHALIA SPLANCHNOCYSTICA; GRUBER SYNDROME; Dysencephalia splachnocystica. Identifiers: Orphanet 564, MedGen C0265215, MONDO:0018921.
Leber congenital amaurosis 10 (LCA10). Identifiers: Orphanet 65, MedGen C1857821, MONDO:0012723, OMIM 611755.
Joubert syndrome 5 (JBTS5). Identifiers: Orphanet 2318, MedGen C1857780, MONDO:0012432, OMIM 610188.
Meckel syndrome, type 4 (MKS4). Also called: MECKEL-GRUBER SYNDROME, TYPE 4. Identifiers: Orphanet 564, MedGen C1970161, MONDO:0012626, OMIM 611134.
Bardet-Biedl syndrome 14 (BBS14). Identifiers: Orphanet 110, MedGen C2673874, MONDO:0014442, OMIM 615991.
Senior-Loken syndrome 6 (SLSN6). Identifiers: Orphanet 3156, MedGen C1857779, MONDO:0012433, OMIM 610189.

Allele frequency attached by ClinVar (database versions not stated): TOPMed below 0.00001; gnomAD 0.00001; gnomAD exomes 0.00001 and 0.00002; ExAC 0.00008.
gnomAD v4.1: 22 of 1,589,460 alleles (0.0014%); highest among the groups gnomAD compares: South Asian, 0.0023%; no homozygotes.

Submissions (13):

PreventionGenetics, part of Exact Sciences
Classification: Pathogenic for CEP290-related condition. Last evaluated: 2026-09-15. Review status: criteria provided, single submitter. Criteria: ACMG Guidelines, 2015. Collection method: clinical testing. Allele origin: germline.
Comment: The CEP290 c.1645C>T variant is predicted to result in premature protein termination (p.Arg549*). This variant has been reported along with a second causative CEP290 variant in at least three individuals with a diagnosis or clinical features consistent with Joubert syndrome (Tory et al. 2007. PubMed ID: 17409309; Suzuki et al. 2016. PubMed ID: 27434533; Table S1, Stone et al. 2017. PubMed ID: 28559085) and has also been reported in at least two individuals, along with a second CEP290 variant, with a diagnosis or clinical suspicion of Leber congenital amaurosis (Yzer et al. 2012. PubMed ID: 22355252; Table S2, Weisschuh et al. 2020. PubMed ID: 32531858). This variant is reported in 0.0072% of alleles in individuals of South Asian descent in gnomAD and is interpreted as pathogenic in ClinVar (Variation ID: 654447). Nonsense variants in CEP290 are expected to be pathogenic. This variant is interpreted as pathogenic.

Myriad Genetics, Inc.
Classification: Pathogenic for CEP290-related ciliopathy. Last evaluated: 2025-10-27. Review status: criteria provided, single submitter. Criteria: Myriad Autosomal Dominant, Autosomal Recessive and X-Linked Classification Criteria (2023). Collection method: clinical testing. Allele origin: unknown.
Comment: NM_025114.3(CEP290):c.1645C>T(R549*) is a nonsense variant classified as pathogenic in the context of CEP290-related disorders. R549* has been observed in cases with relevant disease (PMID: 17409309, 22355252). Relevant functional assessments of this variant are not available in the literature. R549* has been observed in referenced population frequency databases. In summary, NM_025114.3(CEP290):c.1645C>T(R549*) is a nonsense variant in a gene where loss of function is a known mechanism of disease, is predicted to disrupt protein function, and has been observed more frequently in cases with the relevant disease than in healthy populations. Please note: this variant was assessed in the context of healthy population screening.

Natera, Inc.
Classification: Pathogenic for Leber congenital amaurosis. Last evaluated: 2025-05-23. Review status: criteria provided, single submitter. Criteria: Natera Variant Classification Schema (03/2026). Collection method: clinical testing. Allele origin: germline.
Comment: The c.1645C>T variant in CEP290 is a nonsense variant predicted to introduce a stop codon at amino acid 549. This variant is expected to result in nonsense mediated decay, truncation, or a dysfunctional protein product. This variant is rare in the general population with a frequency below the threshold expected for the associated phenotype(s). This variant has been observed in one or more individuals affected with the associated recessive disease, as either homozygous or compound heterozygous with a second variant (PMID: 22355252). Given the available evidence, this variant is classified as Pathogenic.

Centre for Clinical Genetics and Genomic Diagnostics, Zealand University Hospital
Classification: Pathogenic. Last evaluated: 2024-12-17. Review status: criteria provided, single submitter. Criteria: ACMG Guidelines, 2015. Collection method: clinical testing. Allele origin: germline. Affected: yes.
Comment: Compound heterozygous

Baylor Genetics
Classification: Pathogenic for Bardet-Biedl syndrome 14. Last evaluated: 2024-03-19. Review status: criteria provided, single submitter. Criteria: ACMG Guidelines, 2015. Collection method: clinical testing. Allele origin: unknown.

Fulgent Genetics
Classification: Pathogenic for Joubert syndrome 5; Senior-Loken syndrome 6; Meckel syndrome, type 4; Leber congenital amaurosis 10; Bardet-Biedl syndrome 14. Last evaluated: 2024-03-08. Review status: criteria provided, single submitter. Criteria: ACMG Guidelines, 2015. Collection method: clinical testing. Allele origin: germline.

Labcorp Genetics (formerly Invitae), Labcorp
Classification: Pathogenic for Joubert syndrome; Meckel-Gruber syndrome; Nephronophthisis. Last evaluated: 2024-01-17. Review status: criteria provided, single submitter. Criteria: Invitae Variant Classification Sherloc (09022015). Collection method: clinical testing. Allele origin: germline.
Comment: This sequence change creates a premature translational stop signal (p.Arg549*) in the CEP290 gene. It is expected to result in an absent or disrupted protein product. Loss-of-function variants in CEP290 are known to be pathogenic (PMID: 16909394, 17345604, 20690115). This variant is present in population databases (rs760415289, gnomAD 0.007%). This premature translational stop signal has been observed in individual(s) with CEP290-related conditions (PMID: 17409309, 22355252, 27434533). In at least one individual the data is consistent with being in trans (on the opposite chromosome) from a pathogenic variant. ClinVar contains an entry for this variant (Variation ID: 654447). For these reasons, this variant has been classified as Pathogenic.

Blueprint Genetics
Classification: Pathogenic for CEP290-related disorders. Last evaluated: 2022-08-08. Review status: criteria provided, single submitter. Criteria: ACMG Guidelines, 2015. Collection method: clinical testing. Allele origin: germline. Affected: yes. Observed: 3 variant alleles.

CeGaT Center for Human Genetics Tuebingen
Classification: Pathogenic. Last evaluated: 2017-10-01. Review status: criteria provided, single submitter. Criteria: CeGaT Center For Human Genetics Tuebingen Variant Classification Criteria Version 2. Collection method: clinical testing. Allele origin: germline. Affected: yes. Observed: 1 variant allele.

Juno Genomics, Hangzhou Juno Genomics, Inc
Classification: Pathogenic for Leber congenital amaurosis 10. Review status: criteria provided, single submitter. Criteria: ACMG Guidelines, 2015. Collection method: clinical testing. Allele origin: germline.
Comment: Absent from controls (or at extremely low frequency if recessive) in Genome Aggregation Database.;Null variant in a gene where loss of function (LOF) is a known mechanism of disease.;For recessive disorders, detected in trans with a pathogenic variant.

Neuberg Centre For Genomic Medicine, NCGM
Classification: Pathogenic for Meckel syndrome, type 4. Review status: criteria provided, single submitter. Criteria: ACMG Guidelines, 2015. Collection method: clinical testing. Allele origin: germline. Inheritance: Autosomal recessive inheritance. Affected: yes.
Comment: The stop gained c.1645C>T p.Arg549Ter in CEP290 gene has been observed in compound heterozygous state in individuals with CEP290-related conditions Yzer et. al., 2012; Suzuki et. al., 2016; Tory et. al., 2007. The observed variant has allele frequency of 0.001% in gnomAD exomes database. This variant has been submitted to the ClinVar database as Pathogenic multiple submitters. Computational evidence MutationTaster - disease causing predict a damaging effect on protein structure and function for this variant. The nucleotide change c.1645C>T in CEP290 is predicted as conserved by PhyloP across 100 vertebrates. This sequence change creates a premature translational stop signal p.Arg549* in the CEP290 gene. It is expected to result in an absent or disrupted protein product. Loss-of-function variants in CEP290 are known to be pathogenic Coppieters et. al., 2010. For these reasons, this variant has been classified as Pathogenic.

Clinical Genetics DNA and cytogenetics Diagnostics Lab, Erasmus MC, Erasmus Medical Center
Classification: Pathogenic. Review status: no assertion criteria provided. Collection method: clinical testing. Allele origin: germline. Affected: yes. Study: VKGL Data-share Consensus. Not counted in ClinVar's aggregate classification.

Joint Genome Diagnostic Labs from Nijmegen and Maastricht, Radboudumc and MUMC+
Classification: Pathogenic. Review status: no assertion criteria provided. Collection method: clinical testing. Allele origin: germline. Affected: yes. Study: VKGL Data-share Consensus. Not counted in ClinVar's aggregate classification.

Literature cited by the submitters: PubMed 17409309 (cited by Myriad Genetics, Inc. and Labcorp Genetics (formerly Invitae), Labcorp); PubMed 22355252 (cited by 3 submitters); PubMed 16909394 (cited by Labcorp Genetics (formerly Invitae), Labcorp); PubMed 17345604 (cited by Labcorp Genetics (formerly Invitae), Labcorp); PubMed 20690115 (cited by Labcorp Genetics (formerly Invitae), Labcorp); PubMed 27434533 (cited by Labcorp Genetics (formerly Invitae), Labcorp).